The following is an entry in ClinVar:

NM_005502.4(ABCA1):c.5662C>G (p.Leu1888Val)

Gene: ABCA1 (ATP binding cassette subfamily A member 1; minus strand). Cytogenetic location: 9q31.1.
Variant type: single nucleotide variant.
Coding change: c.5662C>G on transcript NM_005502.4 (MANE Select); coding-DNA position 5662, C replaced by G.
Protein change: p.Leu1888Val; replaces leucine 1888 with valine.
Molecular consequence: missense variant.
Genome position (GRCh38, 1-based): chr9:104,792,881, G>C on the plus strand (C>G on the coding strand, the complement: ABCA1 is on the minus strand). VCF-style: chr9-104792881-G-C. GRCh37 (hg19) VCF-style: chr9-107555162-G-C.
Other names: short protein forms L1888V.
Identifiers: ClinVar variation 2096587 (VCV002096587.4), dbSNP rs2538052071, ClinGen allele CA374312381.

ClinVar aggregate classification (germline): Uncertain significance (1 of 4 stars; one submission).

Submission:

Labcorp Genetics (formerly Invitae), Labcorp
Classification: Uncertain significance. Last evaluated: 2023-11-28. Review status: criteria provided, single submitter. Criteria: Invitae Variant Classification Sherloc (09022015). Collection method: clinical testing. Allele origin: germline.
Comment: This sequence change replaces leucine, which is neutral and non-polar, with valine, which is neutral and non-polar, at codon 1888 of the ABCA1 protein (p.Leu1888Val). This variant is not present in population databases (gnomAD no frequency). This variant has not been reported in the literature in individuals affected with ABCA1-related conditions. ClinVar contains an entry for this variant (Variation ID: 2096587). Advanced modeling of protein sequence and biophysical properties (such as structural, functional, and spatial information, amino acid conservation, physicochemical variation, residue mobility, and thermodynamic stability) performed at Invitae indicates that this missense variant is not expected to disrupt ABCA1 protein function with a negative predictive value of 80%. In summary, the available evidence is currently insufficient to determine the role of this variant in disease. Therefore, it has been classified as a Variant of Uncertain Significance.